The following is an entry in ClinVar:

NM_017612.5(ZCCHC8):c.1961C>T (p.Thr654Ile)

Gene: ZCCHC8 (zinc finger CCHC-type containing 8; minus strand). Cytogenetic location: 12q24.31.
Variant type: single nucleotide variant.
Coding change: c.1961C>T on transcript NM_017612.5 (MANE Select); coding-DNA position 1961, C replaced by T.
Protein change: p.Thr654Ile; replaces threonine 654 with isoleucine.
Molecular consequence: missense variant.
Genome position (GRCh38, 1-based): chr12:122,473,660, G>A on the plus strand (C>T on the coding strand, the complement: ZCCHC8 is on the minus strand). VCF-style: chr12-122473660-G-A. GRCh37 (hg19) VCF-style: chr12-122958207-G-A.
Other names: c.1730C>T, p.Thr577Ile (NM_001350935.2); c.1664C>T, p.Thr555Ile (NM_001350936.2); c.1247C>T, p.Thr416Ile (NM_001350937.2, NM_001350938.2); short protein forms T416I, T555I, T577I, T654I.
Identifiers: ClinVar variation 1372481 (VCV001372481.8), dbSNP rs542403695, ClinGen allele CA6846062.

ClinVar aggregate classification (germline): Uncertain significance (1 of 4 stars; one submission).

Allele frequency attached by ClinVar (database versions not stated): gnomAD exomes below 0.00001; ExAC 0.00001; 1000 Genomes Project 30x 0.00016; 1000 Genomes Project 0.00020.
gnomAD v4.1: 6 of 1,613,980 alleles (0.00037%); highest among the groups gnomAD compares: East Asian, 0.0045%; no homozygotes.

Submission:

Labcorp Genetics (formerly Invitae), Labcorp
Classification: Uncertain significance. Last evaluated: 2025-04-07. Review status: criteria provided, single submitter. Criteria: Invitae Variant Classification Sherloc (09022015). Collection method: clinical testing. Allele origin: germline.
Comment: This sequence change replaces threonine, which is neutral and polar, with isoleucine, which is neutral and non-polar, at codon 654 of the ZCCHC8 protein (p.Thr654Ile). This variant is present in population databases (rs542403695, gnomAD 0.005%). This variant has not been reported in the literature in individuals affected with ZCCHC8-related conditions. ClinVar contains an entry for this variant (Variation ID: 1372481). Invitae Evidence Modeling of protein sequence and biophysical properties (such as structural, functional, and spatial information, amino acid conservation, physicochemical variation, residue mobility, and thermodynamic stability) indicates that this missense variant is not expected to disrupt ZCCHC8 protein function with a negative predictive value of 80%. In summary, the available evidence is currently insufficient to determine the role of this variant in disease. Therefore, it has been classified as a Variant of Uncertain Significance.